The following is an entry in ClinVar:

NM_001370259.2(MEN1):c.1642G>A (p.Gly548Ser)

Gene: MEN1 (menin 1; minus strand). Cytogenetic location: 11q13.1.
Variant type: single nucleotide variant.
Coding change: c.1642G>A on transcript NM_001370259.2 (MANE Select); coding-DNA position 1642, G replaced by A.
Protein change: p.Gly548Ser; replaces glycine 548 with serine.
Molecular consequence: missense variant. On other transcripts: non-coding transcript variant (4).
Genome position (GRCh38, 1-based): chr11:64,804,525, C>T on the plus strand (G>A on the coding strand, the complement: MEN1 is on the minus strand). VCF-style: chr11-64804525-C-T. GRCh37 (hg19) VCF-style: chr11-64571997-C-T.
Other names: c.1657G>A, p.Gly553Ser (NM_000244.4, NM_001407145.1, NM_130800.3 and 4 more transcripts); c.1768G>A, p.Gly590Ser (NM_001370251.2, NM_001407142.1, NM_001407143.1 and 1 more transcripts); c.1642G>A, p.Gly548Ser (NM_001370260.2, NM_001370261.2, NM_001407146.1 and 2 more transcripts); c.1537G>A, p.Gly513Ser (NM_001370262.2, NM_001370263.2, NM_001407148.1 and 1 more transcripts); c.1783G>A, p.Gly595Ser (NM_001407150.1); c.1663G>A, p.Gly555Ser (NM_001407151.1); c.1477G>A, p.Gly493Ser (NM_001407152.1); short protein forms G493S, G513S, G548S, G553S, G555S, G590S, G595S.
Identifiers: ClinVar variation 3387019 (VCV003387019.2).
Genomic context (GRCh38, chr11:64,804,525, plus strand): 5'-TGGCCACCAGCAGCTCCTTCATGCCCTTCATCTTCTCACTCTGGAAAGTGAGCACTGGAC[C>T]CTCCGGCGGTGGTGATGCTGTGGGTGCTGGCACCTGAGCCGTGCTGCCACCTTCAGGGCC-3'
Protein context (NP_001357188.2, residues 538-558): PAPTASPPPE[Gly548Ser]PVLTFQSEKM

ClinVar aggregate classification (germline): Uncertain significance. Review status: criteria provided, multiple submitters, no conflicts (2 of 4 stars). 2 submissions from 2 submitters: Uncertain significance (2). Last evaluated 2025-06-12.

Conditions:
Hereditary cancer-predisposing syndrome. Also called: Hereditary Cancer Syndrome; Hereditary neoplastic syndrome; Neoplastic Syndromes, Hereditary; Tumor predisposition. Identifiers: Orphanet 140162, MedGen C0027672, MeSH D009386, MONDO:0015356.
Multiple endocrine neoplasia, type 1 (MEN1). Also called: MEN I; WERMER SYNDROME; Endocrine adenomatosis multiple; MEN 1; MEA I. Identifiers: Orphanet 652, MedGen C0025267, MeSH D018761, MONDO:0007540, OMIM 131100.

Submissions (2):

Ambry Genetics
Classification: Uncertain significance for Hereditary cancer-predisposing syndrome. Last evaluated: 2025-06-12. Review status: criteria provided, single submitter. Criteria: Ambry Variant Classification Scheme 2023. Collection method: clinical testing. Allele origin: germline.
Comment: The p.G548S variant (also known as c.1642G>A), located in coding exon 9 of the MEN1 gene, results from a G to A substitution at nucleotide position 1642. The glycine at codon 548 is replaced by serine, an amino acid with similar properties. This amino acid position is conserved. In addition, the in silico prediction for this alteration is inconclusive. Based on the available evidence, the clinical significance of this variant remains unclear.

All of Us Research Program, National Institutes of Health
Classification: Uncertain significance for Multiple endocrine neoplasia, type 1. Last evaluated: 2024-06-11. Review status: criteria provided, single submitter. Criteria: ACMG Guidelines, 2015. Collection method: clinical testing. Allele origin: germline. Inheritance: Autosomal dominant inheritance. Observed: 1 variant allele, 1 heterozygote.
Comment: This study involves interpretation of variants in research participants for the purpose of population health screening. Participant phenotype was not available at the time of variant classification. Additional details can be found in publication PMID: 35346344, PMCID: PMC8962531